The following is an entry in ClinVar:

NM_006231.4(POLE):c.1720G>A (p.Val574Ile)

Gene: POLE (DNA polymerase epsilon, catalytic subunit; minus strand). Cytogenetic location: 12q24.33.
Variant type: single nucleotide variant.
Coding change: c.1720G>A on transcript NM_006231.4 (MANE Select); coding-DNA position 1720, G replaced by A.
Protein change: p.Val574Ile; replaces valine 574 with isoleucine.
Molecular consequence: missense variant.
Genome position (GRCh38, 1-based): chr12:132,672,289, C>T on the plus strand (G>A on the coding strand, the complement: POLE is on the minus strand). VCF-style: chr12-132672289-C-T. GRCh37 (hg19) VCF-style: chr12-133248875-C-T.
Other names: short protein forms V574I.
Identifiers: ClinVar variation 864583 (VCV000864583.13), dbSNP rs988444921, ClinGen allele CA246292950.

ClinVar aggregate classification (germline): Conflicting classifications of pathogenicity. Review status: criteria provided, conflicting classifications (1 of 4 stars). 2 submissions from 2 submitters: Uncertain significance (1); Likely benign (1). Last evaluated 2025-12-08.

Conditions:
Hereditary cancer-predisposing syndrome. Also called: Hereditary Cancer Syndrome; Tumor predisposition; Neoplastic Syndromes, Hereditary; Hereditary neoplastic syndrome. Identifiers: Orphanet 140162, MedGen C0027672, MeSH D009386, MONDO:0015356.

Allele frequency attached by ClinVar (database versions not stated): gnomAD exomes below 0.00001; TOPMed below 0.00001; gnomAD 0.00001.

Submissions (2):

Labcorp Genetics (formerly Invitae), Labcorp
Classification: Uncertain significance. Last evaluated: 2025-12-08. Review status: criteria provided, single submitter. Criteria: Invitae Variant Classification Sherloc (09022015). Collection method: clinical testing. Allele origin: germline.
Comment: This sequence change replaces valine, which is neutral and non-polar, with isoleucine, which is neutral and non-polar, at codon 574 of the POLE protein (p.Val574Ile). This variant is present in population databases (no rsID available, gnomAD 0.007%). This variant has not been reported in the literature in individuals affected with POLE-related conditions. ClinVar contains an entry for this variant (Variation ID: 864583). Invitae Evidence Modeling of protein sequence and biophysical properties (such as structural, functional, and spatial information, amino acid conservation, physicochemical variation, residue mobility, and thermodynamic stability) indicates that this missense variant is not expected to disrupt POLE protein function with a negative predictive value of 80%. In summary, the available evidence is currently insufficient to determine the role of this variant in disease. Therefore, it has been classified as a Variant of Uncertain Significance.

Ambry Genetics
Classification: Likely benign for Hereditary cancer-predisposing syndrome. Last evaluated: 2025-02-19. Review status: criteria provided, single submitter. Criteria: Ambry Variant Classification Scheme 2023. Collection method: clinical testing. Allele origin: germline.